The following is an entry in ClinVar:

NM_000179.3(MSH6):c.2036T>A (p.Leu679Ter)

Gene: MSH6 (mutS homolog 6; plus strand). Cytogenetic location: 2p16.3.
Variant type: single nucleotide variant.
Coding change: c.2036T>A on transcript NM_000179.3 (MANE Select); coding-DNA position 2036, T replaced by A.
Protein change: p.Leu679Ter; replaces leucine 679 with a stop codon.
Molecular consequence: nonsense. On other transcripts: non-coding transcript variant (5), intron variant (2).
Genome position (GRCh38, 1-based): chr2:47,800,019, T>A. VCF-style: chr2-47800019-T-A. GRCh37 (hg19) VCF-style: chr2-48027158-T-A.
Other names: c.1646T>A, p.Leu549Ter (NM_001281492.2); c.1130T>A, p.Leu377Ter (NM_001281493.2, NM_001281494.2, NM_001406811.1 and 6 more transcripts); c.2132T>A, p.Leu711Ter (NM_001406795.1, NM_001406802.1); c.2036T>A, p.Leu679Ter (NM_001406796.1, NM_001406798.1, NM_001406800.1 and 3 more transcripts); c.1739T>A, p.Leu580Ter (NM_001406797.1, NM_001406801.1, NM_001406805.1 and 10 more transcripts); c.1511T>A, p.Leu504Ter (NM_001406799.1, NM_001406806.1, NM_001406807.1); c.1958T>A, p.Leu653Ter (NM_001406804.1); c.2042T>A, p.Leu681Ter (NM_001406813.1); and 3 more; short protein forms L377*, L504*, L549*, L580*, L623*, L653*, L679*, L681*.
Identifiers: ClinVar variation 2673790 (VCV002673790.1), dbSNP rs781668793, ClinGen allele CA346750733.

ClinVar aggregate classification (germline): Pathogenic (1 of 4 stars; one submission).

Conditions:
Lynch syndrome 5 (LYNCH5). Also called: Colorectal cancer, hereditary nonpolyposis, type 5; Hereditary non-polyposis colorectal cancer, type 5. Identifiers: Orphanet 144, MedGen C1833477, MONDO:0013710, OMIM 614350. Disease mechanism: loss of function.

Submission:

Myriad Genetics, Inc.
Classification: Pathogenic for Lynch syndrome 5. Last evaluated: 2023-08-16. Review status: criteria provided, single submitter. Criteria: Myriad Autosomal Dominant, Autosomal Recessive and X-Linked Classification Criteria (2023). Collection method: clinical testing. Allele origin: unknown.
Comment: This variant is considered pathogenic. This variant creates a termination codon and is predicted to result in premature protein truncation.